The following is an entry in ClinVar:

NM_001127208.3(TET2):c.2501G>T (p.Cys834Phe)

Genes: TET2 (tet methylcytosine dioxygenase 2; plus strand), TET2-AS1 (TET2 antisense RNA 1; minus strand). Cytogenetic location: 4q24.
Variant type: single nucleotide variant.
Coding change: c.2501G>T on transcript NM_001127208.3 (MANE Select); coding-DNA position 2501, G replaced by T.
Protein change: p.Cys834Phe; replaces cysteine 834 with phenylalanine.
Molecular consequence: missense variant.
Genome position (GRCh38, 1-based): chr4:105,236,443, G>T. VCF-style: chr4-105236443-G-T. GRCh37 (hg19) VCF-style: chr4-106157600-G-T.
Other names: c.2501G>T, p.Cys834Phe (NM_017628.4); short protein forms C834F.
Identifiers: ClinVar variation 2705367 (VCV002705367.3), dbSNP rs780451113, ClinGen allele CA357799325.
Genomic context (GRCh38, chr4:105,236,443, plus strand): 5'-GTAGAAATTCCCCTTATAGTCAGACCATGAAATCAAGTGCATGCAAAATACAGGTTTCTT[G>T]TTCAAACAATACACACCTAGTTTCAGAGAATAAAGAACAGACTACACATCCTGAACTTTT-3'
Protein context (NP_001120680.1, residues 824-844): KSSACKIQVS[Cys834Phe]SNNTHLVSEN

ClinVar aggregate classification (germline): Uncertain significance (1 of 4 stars; one submission).

Submission:

Labcorp Genetics (formerly Invitae), Labcorp
Classification: Uncertain significance. Last evaluated: 2023-12-25. Review status: criteria provided, single submitter. Criteria: Invitae Variant Classification Sherloc (09022015). Collection method: clinical testing. Allele origin: germline.
Comment: This sequence change replaces cysteine, which is neutral and slightly polar, with phenylalanine, which is neutral and non-polar, at codon 834 of the TET2 protein (p.Cys834Phe). This variant is not present in population databases (gnomAD no frequency). This variant has not been reported in the literature in individuals affected with TET2-related conditions. An algorithm developed to predict the effect of missense changes on protein structure and function (PolyPhen-2) suggests that this variant is likely to be tolerated. In summary, the available evidence is currently insufficient to determine the role of this variant in disease. Therefore, it has been classified as a Variant of Uncertain Significance.